The following is an entry in ClinVar:

ClinVar aggregate classification (germline): Uncertain significance (1 of 4 stars; one submission).

Conditions:
Baller-Gerold syndrome (BGS). Also called: CRANIOSYNOSTOSIS WITH RADIAL DEFECTS. Identifiers: Orphanet 1225, MedGen C0265308, MONDO:0009039, OMIM 218600.

Submission:

Labcorp Genetics (formerly Invitae), Labcorp
Classification: Uncertain significance for Baller-Gerold syndrome. Last evaluated: 2025-07-15. Review status: criteria provided, single submitter. Criteria: Invitae Variant Classification Sherloc (09022015). Collection method: clinical testing. Allele origin: germline.
Comment: This sequence change replaces aspartic acid, which is acidic and polar, with glycine, which is neutral and non-polar, at codon 157 of the RECQL4 protein (p.Asp157Gly). This variant is not present in population databases (gnomAD no frequency). This variant has not been reported in the literature in individuals affected with RECQL4-related conditions. ClinVar contains an entry for this variant (Variation ID: 1010731). Experimental studies and prediction algorithms are not available or were not evaluated, and the functional significance of this variant is currently unknown. In summary, the available evidence is currently insufficient to determine the role of this variant in disease. Therefore, it has been classified as a Variant of Uncertain Significance.

NM_004260.4(RECQL4):c.470A>G (p.Asp157Gly)

Gene: RECQL4 (RecQ like helicase 4; minus strand). Cytogenetic location: 8q24.3.
Variant type: single nucleotide variant.
Coding change: c.470A>G on transcript NM_004260.4 (MANE Select); coding-DNA position 470, A replaced by G.
Protein change: p.Asp157Gly; replaces aspartic acid 157 with glycine.
Molecular consequence: missense variant.
Genome position (GRCh38, 1-based): chr8:144,516,649, T>C on the plus strand (A>G on the coding strand, the complement: RECQL4 is on the minus strand). VCF-style: chr8-144516649-T-C. GRCh37 (hg19) VCF-style: chr8-145742033-T-C.
Other names: short protein forms D157G.
Identifiers: ClinVar variation 1010731 (VCV001010731.3), dbSNP rs1815072083, ClinGen allele CA372691351.